The following is an entry in ClinVar:

NM_198691.3(KRTAP10-1):c.837C>T (p.Arg279=)

Genes: KRTAP10-1 (keratin associated protein 10-1; minus strand), TSPEAR (thrombospondin type laminin G domain and EAR repeats; minus strand). Cytogenetic location: 21q22.3.
Variant type: single nucleotide variant.
Coding change: c.837C>T on transcript NM_198691.3 (MANE Select); coding-DNA position 837, C replaced by T.
Protein change: p.Arg279=; no amino-acid change (arginine 279 retained).
Molecular consequence: synonymous variant. On other transcripts: intron variant (2).
Genome position (GRCh38, 1-based): chr21:44,539,314, G>A on the plus strand (C>T on the coding strand, the complement: KRTAP10-1 is on the minus strand). VCF-style: chr21-44539314-G-A. GRCh37 (hg19) VCF-style: chr21-45959197-G-A.
Other names: c.304-5391C>T (NM_144991.3); c.100-5391C>T (NM_001272037.2).
Identifiers: ClinVar variation 1695029 (VCV001695029.31), dbSNP rs200623181, ClinGen allele CA10057110.

ClinVar aggregate classification (germline): Likely benign (1 of 4 stars; one submission).

Allele frequency attached by ClinVar (database versions not stated): ExAC 0.00126; ESP Exome Variant Server 0.00173; gnomAD 0.00196 and 0.00201; TOPMed 0.00218; 1000 Genomes Project 0.00240; 1000 Genomes Project 30x 0.00265.
gnomAD v4.1: 1,554 of 1,610,800 alleles (0.096%); highest among the groups gnomAD compares: Middle Eastern, 2.3%; 12 homozygotes.

Submission:

CeGaT Center for Human Genetics Tuebingen
Classification: Likely benign. Last evaluated: 2022-05-01. Review status: criteria provided, single submitter. Criteria: CeGaT Center For Human Genetics Tuebingen Variant Classification Criteria Version 2. Collection method: clinical testing. Allele origin: germline. Affected: yes. Observed: 1 variant allele.
Comment: KRTAP10-1: BP4, BP7